The following is an entry in ClinVar:

NM_014804.3(KIAA0753):c.350_351del (p.Ile117fs)

Gene: KIAA0753 (KIAA0753; minus strand). Cytogenetic location: 17p13.1.
Variant type: Microsatellite.
Coding change: c.350_351del on transcript NM_014804.3 (MANE Select); coding-DNA positions 350 to 351, 2 bases deleted (TA; older notation c.350_351delTA).
Protein change: p.Ile117fs; shifts the reading frame from isoleucine 117.
Molecular consequence: frameshift variant. On other transcripts: 5 prime UTR variant (1), non-coding transcript variant (3).
Genome position (GRCh38, 1-based): chr17:6,628,484-6,628,485, TA deleted on the plus strand (TA on the coding strand, the reverse complement: KIAA0753 is on the minus strand); deleting any 2 consecutive bases within chr17:6,628,484-6,628,488 gives the same sequence; the c. name uses the placement nearest the transcript's 3' end. VCF-style (leftmost placement, unchanged base first): chr17-6628483-TTA-T. GRCh37 (hg19) VCF-style: chr17-6531803-TTA-T.
Other names: c.-887TA[1] (NM_001351225.2); short protein forms I117fs.
Identifiers: ClinVar variation 2873276 (VCV002873276.3), dbSNP rs1971820160, ClinGen allele CA981115805.

ClinVar aggregate classification (germline): Pathogenic (1 of 4 stars; one submission).

Submission:

Labcorp Genetics (formerly Invitae), Labcorp
Classification: Pathogenic. Last evaluated: 2023-11-09. Review status: criteria provided, single submitter. Criteria: Invitae Variant Classification Sherloc (09022015). Collection method: clinical testing. Allele origin: germline.
Comment: This sequence change creates a premature translational stop signal (p.Ile117Lysfs*19) in the KIAA0753 gene. It is expected to result in an absent or disrupted protein product. Loss-of-function variants in KIAA0753 are known to be pathogenic (PMID: 29138412). This variant is not present in population databases (gnomAD no frequency). This variant has not been reported in the literature in individuals affected with KIAA0753-related conditions. For these reasons, this variant has been classified as Pathogenic.

Literature cited by the submitters: PubMed 29138412.